The following is an entry in ClinVar:

ClinVar aggregate classification (germline): Pathogenic (1 of 4 stars; one submission).

Conditions:
Retinitis pigmentosa 71 (RP71). Identifiers: Orphanet 791, MedGen C4225342, MONDO:0014618, OMIM 616394.
Short-rib thoracic dysplasia 10 with or without polydactyly (SRTD10). Identifiers: Orphanet 474, MedGen C3810175, MONDO:0014284, OMIM 615630.

Submission:

Labcorp Genetics (formerly Invitae), Labcorp
Classification: Pathogenic for Retinitis pigmentosa 71; Short-rib thoracic dysplasia 10 with or without polydactyly. Last evaluated: 2023-08-04. Review status: criteria provided, single submitter. Criteria: Invitae Variant Classification Sherloc (09022015). Collection method: clinical testing. Allele origin: germline.
Comment: ClinVar contains an entry for this variant (Variation ID: 2079183). For these reasons, this variant has been classified as Pathogenic. This variant has not been reported in the literature in individuals affected with IFT172-related conditions. This variant is not present in population databases (gnomAD no frequency). This sequence change creates a premature translational stop signal (p.His921Thrfs*9) in the IFT172 gene. It is expected to result in an absent or disrupted protein product. Loss-of-function variants in IFT172 are known to be pathogenic (PMID: 24140113).

Literature cited by the submitters: PubMed 24140113.

NM_015662.3(IFT172):c.2760dup (p.His921fs)

Genes: IFT172 (intraflagellar transport 172; minus strand), LOC126806174 (CDK7 strongly-dependent group 2 enhancer GRCh37_chr2:27681686-27682885; plus strand). Cytogenetic location: 2p23.3.
Variant type: Duplication.
Coding change: c.2760dup on transcript NM_015662.3 (MANE Select); coding-DNA position 2760, one base duplicated (A; older notation c.2760dupA).
Protein change: p.His921fs; shifts the reading frame from histidine 921.
Molecular consequence: frameshift variant.
Genome position (GRCh38, 1-based): chr2:27,459,405, T duplicated on the plus strand (A on the coding strand, the reverse complement: IFT172 is on the minus strand); the first of 2 consecutive T bases (chr2:27,459,405-27,459,406); duplicating either gives the same sequence. VCF-style (leftmost placement, unchanged base first): chr2-27459404-G-GT. GRCh37 (hg19) VCF-style: chr2-27682271-G-GT.
Other names: c.2693dup, p.His899Thrfs (NM_001410739.1); short protein forms H921fs.
Identifiers: ClinVar variation 2079183 (VCV002079183.4), dbSNP rs2465864227, ClinGen allele CA2580066238.
Genomic context (GRCh38, chr2:27,459,404, plus strand): 5'-TTGCCTCGTGCTGCGGAAAGGGACTCTTCCTCACCTCATACTCCTGCAGGGATGCATAGT[G>GT]TTGGGCCACGAGAGGATAGTATTTGGATGCAGTGTTCCGGTCCTGTAGATCTAATATATA-3'